The following is an entry in ClinVar:

NM_001710.6(CFB):c.1700C>G (p.Ala567Gly)

Gene: CFB (complement factor B; plus strand). Cytogenetic location: 6p21.33.
Variant type: single nucleotide variant.
Coding change: c.1700C>G on transcript NM_001710.6 (MANE Select); coding-DNA position 1700, C replaced by G.
Protein change: p.Ala567Gly; replaces alanine 567 with glycine.
Molecular consequence: missense variant.
Genome position (GRCh38, 1-based): chr6:31,950,694, C>G. VCF-style: chr6-31950694-C-G. GRCh37 (hg19) VCF-style: chr6-31918471-C-G.
Other names: short protein forms A567G.
Identifiers: ClinVar variation 2010098 (VCV002010098.5), dbSNP rs1292196044, ClinGen allele CA363408978.

ClinVar aggregate classification (germline): Uncertain significance. Review status: criteria provided, multiple submitters, no conflicts (2 of 4 stars). 2 submissions from 2 submitters: Uncertain significance (2). Last evaluated 2024-01-19.

Conditions:
Inborn genetic diseases. Identifiers: MedGen C0950123, MeSH D030342.

Allele frequency attached by ClinVar (database versions not stated): gnomAD exomes below 0.00001.
gnomAD v4.1: 1 of 1,613,078 alleles (0.000062%); highest among the groups gnomAD compares: Admixed American, 0.0017%; no homozygotes.

Submissions (2):

Ambry Genetics
Classification: Uncertain significance for Inborn genetic diseases. Last evaluated: 2024-01-19. Review status: criteria provided, single submitter. Criteria: Ambry Variant Classification Scheme 2023. Collection method: clinical testing. Allele origin: germline.

Labcorp Genetics (formerly Invitae), Labcorp
Classification: Uncertain significance. Last evaluated: 2022-06-28. Review status: criteria provided, single submitter. Criteria: Invitae Variant Classification Sherloc (09022015). Collection method: clinical testing. Allele origin: germline.
Comment: In summary, the available evidence is currently insufficient to determine the role of this variant in disease. Therefore, it has been classified as a Variant of Uncertain Significance. Algorithms developed to predict the effect of missense changes on protein structure and function (SIFT, PolyPhen-2, Align-GVGD) all suggest that this variant is likely to be tolerated. This variant has not been reported in the literature in individuals affected with CFB-related conditions. This variant is present in population databases (no rsID available, gnomAD 0.003%). This sequence change replaces alanine, which is neutral and non-polar, with glycine, which is neutral and non-polar, at codon 567 of the CFB protein (p.Ala567Gly).